The following is an entry in ClinVar:

NM_005068.3(SIM1):c.1372G>A (p.Glu458Lys)

Genes: SIM1 (SIM bHLH transcription factor 1; minus strand), SIM1-AS1 (SIM1 antisense RNA 1; plus strand). Cytogenetic location: 6q16.3.
Variant type: single nucleotide variant.
Coding change: c.1372G>A on transcript NM_005068.3 (MANE Select); coding-DNA position 1372, G replaced by A.
Protein change: p.Glu458Lys; replaces glutamic acid 458 with lysine.
Molecular consequence: missense variant. On other transcripts: non-coding transcript variant (1).
Genome position (GRCh38, 1-based): chr6:100,393,685, C>T on the plus strand (G>A on the coding strand, the complement: SIM1 is on the minus strand). VCF-style: chr6-100393685-C-T. GRCh37 (hg19) VCF-style: chr6-100841561-C-T.
Other names: c.1372G>A, p.Glu458Lys (NM_001374769.1); short protein forms E458K.
Identifiers: ClinVar variation 3162282 (VCV003162282.2), dbSNP rs375389902, ClinGen allele CA3937033.

ClinVar aggregate classification (germline): Uncertain significance. Review status: criteria provided, multiple submitters, no conflicts (2 of 4 stars). 2 submissions from 2 submitters: Uncertain significance (2). Last evaluated 2024-12-23.

Conditions:
SIM1-related disorder. Also called: SIM1-related disorders; SIM1-related condition.
Inborn genetic diseases. Identifiers: MedGen C0950123, MeSH D030342.

Allele frequency attached by ClinVar (database versions not stated): ExAC 0.00001; gnomAD 0.00001; TOPMed 0.00001; ESP Exome Variant Server 0.00008.
gnomAD v4.1: 17 of 1,613,916 alleles (0.0011%); highest among the groups gnomAD compares: Non-Finnish European, 0.0014%; no homozygotes.

Submissions (2):

PreventionGenetics, part of Exact Sciences
Classification: Uncertain significance for SIM1-related condition. Last evaluated: 2024-12-23. Review status: criteria provided, single submitter. Criteria: ACMG Guidelines, 2015. Collection method: clinical testing. Allele origin: germline.
Comment: The SIM1 c.1372G>A variant is predicted to result in the amino acid substitution p.Glu458Lys. To our knowledge, this variant has not been reported in the literature. This variant is reported in 0.0031% of alleles in individuals of European (Non-Finnish) descent in gnomAD. At this time, the clinical significance of this variant is uncertain due to the absence of conclusive functional and genetic evidence.

Ambry Genetics
Classification: Uncertain significance for Inborn genetic diseases. Last evaluated: 2024-02-21. Review status: criteria provided, single submitter. Criteria: Ambry Variant Classification Scheme 2023. Collection method: clinical testing. Allele origin: germline.